The following is an entry in ClinVar:

NM_001184.4(ATR):c.7160G>A (p.Arg2387Lys)

Gene: ATR (ATR checkpoint kinase; minus strand). Cytogenetic location: 3q23.
Variant type: single nucleotide variant.
Coding change: c.7160G>A on transcript NM_001184.4 (MANE Select); coding-DNA position 7160, G replaced by A.
Protein change: p.Arg2387Lys; replaces arginine 2387 with lysine.
Molecular consequence: missense variant.
Genome position (GRCh38, 1-based): chr3:142,461,972, C>T on the plus strand (G>A on the coding strand, the complement: ATR is on the minus strand). VCF-style: chr3-142461972-C-T. GRCh37 (hg19) VCF-style: chr3-142180814-C-T.
Other names: c.6968G>A, p.Arg2323Lys (NM_001354579.2); short protein forms R2387K, R2323K.
Identifiers: ClinVar variation 1757442 (VCV001757442.2), dbSNP rs2108265834, ClinGen allele CA354799264.

ClinVar aggregate classification (germline): Uncertain significance (1 of 4 stars; one submission).

Conditions:
Inborn genetic diseases. Identifiers: MedGen C0950123, MeSH D030342.

Submission:

Ambry Genetics
Classification: Uncertain significance for Inborn genetic diseases. Last evaluated: 2022-08-23. Review status: criteria provided, single submitter. Criteria: Ambry Variant Classification Scheme 2023. Collection method: clinical testing. Allele origin: germline.
Comment: The p.R2387K variant (also known as c.7160G>A), located in coding exon 42 of the ATR gene, results from a G to A substitution at nucleotide position 7160. The arginine at codon 2387 is replaced by lysine, an amino acid with highly similar properties. This amino acid position is conserved. In addition, this alteration is predicted to be deleterious by in silico analysis. Since supporting evidence is limited at this time, the clinical significance of this alteration remains unclear.